The following is an entry in ClinVar:

ClinVar aggregate classification (germline): Uncertain significance (1 of 4 stars; one submission).

Conditions:
Sulfite oxidase deficiency. Also called: Isolated sulfite oxidase deficiency. Identifiers: Orphanet 833, Orphanet 99731, MedGen C0268624, MONDO:0010089, OMIM 272300, HP:0003643.

Allele frequency attached by ClinVar (database versions not stated): ExAC 0.00001; gnomAD 0.00001; gnomAD exomes 0.00001 and 0.00004.

Submission:

Labcorp Genetics (formerly Invitae), Labcorp
Classification: Uncertain significance for Sulfite oxidase deficiency. Last evaluated: 2022-09-07. Review status: criteria provided, single submitter. Criteria: Invitae Variant Classification Sherloc (09022015). Collection method: clinical testing. Allele origin: germline.
Comment: This sequence change replaces glutamic acid, which is acidic and polar, with lysine, which is basic and polar, at codon 159 of the SUOX protein (p.Glu159Lys). This variant is present in population databases (rs370951378, gnomAD 0.02%). This variant has not been reported in the literature in individuals affected with SUOX-related conditions. ClinVar contains an entry for this variant (Variation ID: 1525391). Algorithms developed to predict the effect of missense changes on protein structure and function (SIFT, PolyPhen-2, Align-GVGD) all suggest that this variant is likely to be tolerated. In summary, the available evidence is currently insufficient to determine the role of this variant in disease. Therefore, it has been classified as a Variant of Uncertain Significance.

NM_001032386.2(SUOX):c.475G>A (p.Glu159Lys)

Gene: SUOX (sulfite oxidase; plus strand). Cytogenetic location: 12q13.2.
Variant type: single nucleotide variant.
Coding change: c.475G>A on transcript NM_001032386.2 (MANE Select); coding-DNA position 475, G replaced by A.
Protein change: p.Glu159Lys; replaces glutamic acid 159 with lysine.
Molecular consequence: missense variant.
Genome position (GRCh38, 1-based): chr12:56,003,864, G>A. VCF-style: chr12-56003864-G-A. GRCh37 (hg19) VCF-style: chr12-56397648-G-A.
Other names: c.475G>A, p.Glu159Lys (NM_000456.3, NM_001032387.2); short protein forms E159K.
Identifiers: ClinVar variation 1525391 (VCV001525391.4), dbSNP rs370951378, ClinGen allele CA6620988.